The following is an entry in ClinVar:

NM_001352754.2(ARMC9):c.542A>C (p.Lys181Thr)

Gene: ARMC9 (armadillo repeat containing 9; plus strand). Cytogenetic location: 2q37.1.
Variant type: single nucleotide variant.
Coding change: c.542A>C on transcript NM_001352754.2 (MANE Select); coding-DNA position 542, A replaced by C.
Protein change: p.Lys181Thr; replaces lysine 181 with threonine.
Molecular consequence: missense variant. On other transcripts: non-coding transcript variant (1).
Genome position (GRCh38, 1-based): chr2:231,222,765, A>C. VCF-style: chr2-231222765-A-C. GRCh37 (hg19) VCF-style: chr2-232087478-A-C.
Other names: c.542A>C, p.Lys181Thr (NM_001271466.4, NM_001291656.2, NM_001352755.2 and 5 more transcripts); short protein forms K181T.
Identifiers: ClinVar variation 2964796 (VCV002964796.1), dbSNP rs1427927439, ClinGen allele CA350947569.

ClinVar aggregate classification (germline): Uncertain significance (1 of 4 stars; one submission).

Allele frequency attached by ClinVar (database versions not stated): gnomAD exomes below 0.00001; gnomAD 0.00001; TOPMed 0.00002.
gnomAD v4.1: 4 of 1,593,670 alleles (0.00025%); highest among the groups gnomAD compares: Admixed American, 0.0067%; no homozygotes.

Submission:

Labcorp Genetics (formerly Invitae), Labcorp
Classification: Uncertain significance. Last evaluated: 2023-04-29. Review status: criteria provided, single submitter. Criteria: Invitae Variant Classification Sherloc (09022015). Collection method: clinical testing. Allele origin: germline.
Comment: In summary, the available evidence is currently insufficient to determine the role of this variant in disease. Therefore, it has been classified as a Variant of Uncertain Significance. Algorithms developed to predict the effect of missense changes on protein structure and function output the following: SIFT: "Not Available"; PolyPhen-2: "Not Available"; Align-GVGD: "Not Available". The threonine amino acid residue is found in multiple mammalian species, which suggests that this missense change does not adversely affect protein function. This variant has not been reported in the literature in individuals affected with ARMC9-related conditions. The frequency data for this variant in the population databases is considered unreliable, as metrics indicate poor data quality at this position in the gnomAD database. This sequence change replaces lysine, which is basic and polar, with threonine, which is neutral and polar, at codon 181 of the ARMC9 protein (p.Lys181Thr).